The following is an entry in ClinVar:

NM_001365536.1(SCN9A):c.4796T>C (p.Ile1599Thr)

Genes: SCN1A-AS1 (SCN1A and SCN9A antisense RNA 1; plus strand), SCN9A (sodium voltage-gated channel alpha subunit 9; minus strand). Cytogenetic location: 2q24.3.
Variant type: single nucleotide variant.
Coding change: c.4796T>C on transcript NM_001365536.1 (MANE Select); coding-DNA position 4796, T replaced by C.
Protein change: p.Ile1599Thr; replaces isoleucine 1599 with threonine.
Molecular consequence: missense variant.
Genome position (GRCh38, 1-based): chr2:166,199,843, A>G on the plus strand (T>C on the coding strand, the complement: SCN9A is on the minus strand). VCF-style: chr2-166199843-A-G. GRCh37 (hg19) VCF-style: chr2-167056353-A-G.
Other names: c.4763T>C, p.Ile1588Thr (NM_002977.4); short protein forms I1588T, I1599T.
Identifiers: ClinVar variation 1495895 (VCV001495895.6), dbSNP rs1487074955, ClinGen allele CA349055863.

ClinVar aggregate classification (germline): Uncertain significance (1 of 4 stars; one submission).

Conditions:
Generalized epilepsy with febrile seizures plus, type 7 (GEFSP7). Also called: GEFS+, TYPE 7. Identifiers: Orphanet 36387, MedGen C2751778, MONDO:0013470, OMIM 613863.
Neuropathy, hereditary sensory and autonomic, type 2A (HSAN2A). Also called: HSAN IIA; WNK1-Related HSAN2 (HSAN2A); MORVAN DISEASE; NEUROPATHY, CONGENITAL SENSORY; NEUROPATHY, HEREDITARY SENSORY RADICULAR, AUTOSOMAL RECESSIVE; NEUROPATHY, HEREDITARY SENSORY, TYPE IIA. Identifiers: Orphanet 970, MedGen C2752089, MONDO:0024309, OMIM 201300.

Allele frequency attached by ClinVar (database versions not stated): TOPMed below 0.00001; gnomAD 0.00001.
gnomAD v4.1: 1 of 1,613,838 alleles (0.000062%); highest among the groups gnomAD compares: Non-Finnish European, 0.000085%; no homozygotes.

Submission:

Labcorp Genetics (formerly Invitae), Labcorp
Classification: Uncertain significance for Neuropathy, hereditary sensory and autonomic, type 2A; Generalized epilepsy with febrile seizures plus, type 7. Last evaluated: 2021-08-23. Review status: criteria provided, single submitter. Criteria: Invitae Variant Classification Sherloc (09022015). Collection method: clinical testing. Allele origin: germline.
Comment: In summary, the available evidence is currently insufficient to determine the role of this variant in disease. Therefore, it has been classified as a Variant of Uncertain Significance. Algorithms developed to predict the effect of missense changes on protein structure and function (SIFT, PolyPhen-2, Align-GVGD) all suggest that this variant is likely to be disruptive. This variant has not been reported in the literature in individuals affected with SCN9A-related conditions. This variant is not present in population databases (ExAC no frequency). This sequence change replaces isoleucine with threonine at codon 1588 of the SCN9A protein (p.Ile1588Thr). The isoleucine residue is highly conserved and there is a moderate physicochemical difference between isoleucine and threonine.